The following is an entry in ClinVar:

ClinVar aggregate classification (germline): Conflicting classifications of pathogenicity. Review status: criteria provided, conflicting classifications (1 of 4 stars). 5 submissions from 5 submitters: Uncertain significance (4); Benign (1). Last evaluated 2023-12-03.

Conditions:
Juvenile polyposis syndrome (JPS). Identifiers: Orphanet 2929, MedGen C0345893, MONDO:0017380, OMIM 174900.
Hereditary cancer-predisposing syndrome. Also called: Tumor predisposition; Hereditary Cancer Syndrome; Hereditary neoplastic syndrome; Neoplastic Syndromes, Hereditary. Identifiers: Orphanet 140162, MedGen C0027672, MeSH D009386, MONDO:0015356.

Allele frequency attached by ClinVar (database versions not stated): gnomAD exomes below 0.00001 and 0.00001; TOPMed below 0.00001; ExAC 0.00001; gnomAD 0.00001.
gnomAD v4.1: 4 of 1,613,928 alleles (0.00025%); highest among the groups gnomAD compares: African/African-American, 0.0027%; no homozygotes.

Submissions (5):

GeneDx
Classification: Uncertain significance. Last evaluated: 2023-12-03. Review status: criteria provided, single submitter. Criteria: GeneDx Variant Classification Process June 2021. Collection method: clinical testing. Allele origin: germline. Affected: yes.
Comment: Not observed at significant frequency in large population cohorts (gnomAD); In silico analysis supports that this missense variant does not alter protein structure/function; Has not been previously published as pathogenic or benign to our knowledge; This variant is associated with the following publications: (PMID: 9759503, 23433720)

Labcorp Genetics (formerly Invitae), Labcorp
Classification: Uncertain significance for Juvenile polyposis syndrome. Last evaluated: 2023-09-21. Review status: criteria provided, single submitter. Criteria: Invitae Variant Classification Sherloc (09022015). Collection method: clinical testing. Allele origin: germline.
Comment: In summary, the available evidence is currently insufficient to determine the role of this variant in disease. Therefore, it has been classified as a Variant of Uncertain Significance. Advanced modeling of protein sequence and biophysical properties (such as structural, functional, and spatial information, amino acid conservation, physicochemical variation, residue mobility, and thermodynamic stability) has been performed at Invitae for this missense variant, however the output from this modeling did not meet the statistical confidence thresholds required to predict the impact of this variant on BMPR1A protein function. ClinVar contains an entry for this variant (Variation ID: 182067). This variant has not been reported in the literature in individuals affected with BMPR1A-related conditions. This variant is present in population databases (rs730881433, gnomAD 0.01%). This sequence change replaces isoleucine, which is neutral and non-polar, with valine, which is neutral and non-polar, at codon 230 of the BMPR1A protein (p.Ile230Val).

Ambry Genetics
Classification: Benign for Hereditary cancer-predisposing syndrome. Last evaluated: 2023-08-22. Review status: criteria provided, single submitter. Criteria: Ambry Variant Classification Scheme 2023. Collection method: clinical testing. Allele origin: germline.

Sema4
Classification: Uncertain significance for Hereditary cancer-predisposing syndrome. Last evaluated: 2021-12-29. Review status: criteria provided, single submitter. Criteria: Sema4 Curation Guidelines. Collection method: curation. Allele origin: germline.
Comment: To the best of our knowledge, the BMPR1A c.688A>G (p.I230V) variant has not been reported in individuals with BMPR1A-related disease. This variant was observed in 2/16252 chromosomes in the African/African American subpopulation, according to the Genome Aggregation Database (PMID: 32461654). This variant has been reported in ClinVar (Variation ID: 182067). Functional studies have not been performed, and in silico predictions of the variant's effect on protein function are inconclusive. The evidence is insufficient to meet ACMG/AMP criteria for classifying the variant as benign or pathogenic. Thus, the clinical significance of this variant is currently uncertain.

Women's Health and Genetics/Laboratory Corporation of America, LabCorp
Classification: Uncertain significance. Last evaluated: 2018-07-02. Review status: criteria provided, single submitter. Criteria: LabCorp Variant Classification Summary - May 2015. Collection method: clinical testing. Allele origin: germline.
Comment: Variant summary: BMPR1A c.688A>G (p.Ile230Val) results in a conservative amino acid change located in the GS domain of the encoded protein sequence. Three of five in-silico tools predict a damaging effect of the variant on protein function. The variant allele was found at a frequency of 8.1e-06 in 246198 control chromosomes (gnomAD). The available data on variant occurrences in the general population are insufficient to allow any conclusion about variant significance. To our knowledge, no occurrence of c.688A>G in individuals affected with Juvenile Polyposis Syndrome and no experimental evidence demonstrating its impact on protein function have been reported. No clinical diagnostic laboratories have submitted clinical-significance assessments for this variant to ClinVar after 2014. Based on the evidence outlined above, the variant was classified as uncertain significance.

NM_004329.3(BMPR1A):c.688A>G (p.Ile230Val)

Gene: BMPR1A (bone morphogenetic protein receptor type 1A; plus strand). Cytogenetic location: 10q23.2.
Variant type: single nucleotide variant.
Coding change: c.688A>G on transcript NM_004329.3 (MANE Select); coding-DNA position 688, A replaced by G.
Protein change: p.Ile230Val; replaces isoleucine 230 with valine.
Molecular consequence: missense variant.
Genome position (GRCh38, 1-based): chr10:86,917,146, A>G. VCF-style: chr10-86917146-A-G. GRCh37 (hg19) VCF-style: chr10-88676903-A-G.
Other names: p.I230V:ATT>GTT; short protein forms I230V.
Identifiers: ClinVar variation 182067 (VCV000182067.18), dbSNP rs730881433, ClinGen allele CA298514.